The following is an entry in ClinVar:

NM_005219.5(DIAPH1):c.1524C>G (p.Asp508Glu)

Gene: DIAPH1 (diaphanous related formin 1; minus strand). Cytogenetic location: 5q31.3.
Variant type: single nucleotide variant.
Coding change: c.1524C>G on transcript NM_005219.5 (MANE Select); coding-DNA position 1524, C replaced by G.
Protein change: p.Asp508Glu; replaces aspartic acid 508 with glutamic acid.
Molecular consequence: missense variant.
Genome position (GRCh38, 1-based): chr5:141,575,084, G>C on the plus strand (C>G on the coding strand, the complement: DIAPH1 is on the minus strand). VCF-style: chr5-141575084-G-C. GRCh37 (hg19) VCF-style: chr5-140954651-G-C.
Other names: c.1497C>G, p.Asp499Glu (NM_001079812.3); c.1524C>G, p.Asp508Glu (NM_001314007.2); short protein forms D499E, D508E.
Identifiers: ClinVar variation 2943981 (VCV002943981.3), dbSNP rs2099895760, ClinGen allele CA361523988.
Genomic context (GRCh38, chr5:141,575,084, plus strand): 5'-CTGCTTTTCAGAATGCAGTGCATCTTTTTCTCCCTGAAGATCTTGAAGCTTCTGCTCAAA[G>C]TCACTTTCCATCTTTTTCATTTCCACCTGTAGCTCATGTCGGGCTGTTAACTCTGAGTCC-3'
Protein context (NP_005210.3, residues 498-518): LQVEMKKMES[Asp508Glu]FEQKLQDLQG

ClinVar aggregate classification (germline): Uncertain significance (1 of 4 stars; one submission).

Conditions:
Progressive microcephaly-seizures-cortical blindness-developmental delay syndrome. Also called: Seizures, cortical blindness, and microcephaly syndrome. Identifiers: Orphanet 477814, MedGen C5567650, MONDO:0014714, OMIM 616632.
Autosomal dominant nonsyndromic hearing loss 1. Also called: KONIGSMARK SYNDROME; DEAFNESS, AUTOSOMAL DOMINANT 1, WITH OR WITHOUT THROMBOCYTOPENIA. Identifiers: Orphanet 90635, MedGen C1852282, MONDO:0007424, OMIM 124900.

Allele frequency attached by ClinVar (database versions not stated): gnomAD exomes below 0.00001.
gnomAD v4.1: 1 of 1,614,188 alleles (0.000062%); highest among the groups gnomAD compares: East Asian, 0.0022%; no homozygotes.

Submission:

Labcorp Genetics (formerly Invitae), Labcorp
Classification: Uncertain significance for Progressive microcephaly-seizures-cortical blindness-developmental delay syndrome; Autosomal dominant nonsyndromic hearing loss 1. Last evaluated: 2023-03-18. Review status: criteria provided, single submitter. Criteria: Invitae Variant Classification Sherloc (09022015). Collection method: clinical testing. Allele origin: germline.
Comment: This variant is not present in population databases (gnomAD no frequency). This sequence change replaces aspartic acid, which is acidic and polar, with glutamic acid, which is acidic and polar, at codon 508 of the DIAPH1 protein (p.Asp508Glu). This variant has not been reported in the literature in individuals affected with DIAPH1-related conditions. Experimental studies and prediction algorithms are not available or were not evaluated, and the functional significance of this variant is currently unknown. In summary, the available evidence is currently insufficient to determine the role of this variant in disease. Therefore, it has been classified as a Variant of Uncertain Significance.